The following is an entry in ClinVar:

ClinVar aggregate classification (germline): Uncertain significance. Review status: criteria provided, multiple submitters, no conflicts (2 of 4 stars). 2 submissions from 2 submitters: Uncertain significance (2). Last evaluated 2025-05-05.

Allele frequency attached by ClinVar (database versions not stated): gnomAD 0.00002; TOPMed 0.00003.
gnomAD v4.1: 19 of 1,598,624 alleles (0.0012%); highest among the groups gnomAD compares: African/African-American, 0.0054%; no homozygotes.

Submissions (2):

Labcorp Genetics (formerly Invitae), Labcorp
Classification: Uncertain significance. Last evaluated: 2025-05-05. Review status: criteria provided, single submitter. Criteria: Invitae Variant Classification Sherloc (09022015). Collection method: clinical testing. Allele origin: germline.
Comment: This sequence change replaces arginine, which is basic and polar, with histidine, which is basic and polar, at codon 61 of the FSCN2 protein (p.Arg61His). The frequency data for this variant in the population databases is considered unreliable, as metrics indicate poor data quality at this position in the gnomAD database. This variant has not been reported in the literature in individuals affected with FSCN2-related conditions. ClinVar contains an entry for this variant (Variation ID: 946579). An algorithm developed to predict the effect of missense changes on protein structure and function (PolyPhen-2) suggests that this variant is likely to be disruptive. In summary, the available evidence is currently insufficient to determine the role of this variant in disease. Therefore, it has been classified as a Variant of Uncertain Significance.

Ambry Genetics
Classification: Uncertain significance. Last evaluated: 2022-05-27. Review status: criteria provided, single submitter. Criteria: Ambry Variant Classification Scheme 2023. Collection method: clinical testing. Allele origin: germline.

NM_012418.4(FSCN2):c.182G>A (p.Arg61His)

Gene: FSCN2 (fascin actin-bundling protein 2, retinal; plus strand). Cytogenetic location: 17q25.3.
Variant type: single nucleotide variant.
Coding change: c.182G>A on transcript NM_012418.4 (MANE Select); coding-DNA position 182, G replaced by A.
Protein change: p.Arg61His; replaces arginine 61 with histidine.
Molecular consequence: missense variant.
Genome position (GRCh38, 1-based): chr17:81,528,713, G>A. VCF-style: chr17-81528713-G-A. GRCh37 (hg19) VCF-style: chr17-79495739-G-A.
Other names: c.182G>A, p.Arg61His (NM_001077182.3); short protein forms R61H.
Identifiers: ClinVar variation 946579 (VCV000946579.10), dbSNP rs368665227, ClinGen allele CA8836606.
Genomic context (GRCh38, chr17:81,528,713, plus strand): 5'-AGAGGAAGCAGACCTGGGTGCTGGAACCCGACCCAGGACAAGGCACGGCTGTGCTGCTCC[G>A]CAGCAGCCACCTGGGCCGCTACCTGTCGGCAGAAGAGGACGGGCGCGTGGCCTGTGAGGC-3'
Protein context (NP_036550.1, residues 51-71): DPGQGTAVLL[Arg61His]SSHLGRYLSA